The following is an entry in ClinVar:

NM_206933.4(USH2A):c.1816G>C (p.Asp606His)

Gene: USH2A (usherin; minus strand). Cytogenetic location: 1q41.
Variant type: single nucleotide variant.
Coding change: c.1816G>C on transcript NM_206933.4 (MANE Select); coding-DNA position 1816, G replaced by C.
Protein change: p.Asp606His; replaces aspartic acid 606 with histidine.
Molecular consequence: missense variant.
Genome position (GRCh38, 1-based): chr1:216,292,199, C>G on the plus strand (G>C on the coding strand, the complement: USH2A is on the minus strand). VCF-style: chr1-216292199-C-G. GRCh37 (hg19) VCF-style: chr1-216465541-C-G.
Other names: c.1816G>C, p.Asp606His (NM_007123.6); short protein forms D606H.
Identifiers: ClinVar variation 48475 (VCV000048475.11), dbSNP rs111033410, ClinGen allele CA143421.

ClinVar aggregate classification (germline): Uncertain significance. Review status: criteria provided, multiple submitters, no conflicts (2 of 4 stars). 7 submissions from 6 submitters: Uncertain significance (6). 1 of the submissions does not count toward it. Last evaluated 2023-11-04.

Conditions:
Inborn genetic diseases. Identifiers: MedGen C0950123, MeSH D030342.
Retinitis pigmentosa 39 (RP39). Identifiers: Orphanet 791, MedGen C3151138, MONDO:0013436, OMIM 613809.
Usher syndrome type 2A. Also called: USHER SYNDROME, TYPE IIA; RETINAL DISEASE IN USHER SYNDROME TYPE IIA, MODIFIER OF. Identifiers: Orphanet 231178, Orphanet 886, MedGen C1848634, MONDO:0010169, OMIM 276901.

Allele frequency attached by ClinVar (database versions not stated): gnomAD 0.00001; TOPMed 0.00002; gnomAD exomes 0.00003 and 0.00005; ExAC 0.00005.
gnomAD v4.1: 20 of 1,613,938 alleles (0.0012%); highest among the groups gnomAD compares: Admixed American, 0.023%; no homozygotes.

Submissions (7):

Genome-Nilou Lab
Classification: Uncertain significance for Retinitis pigmentosa 39. Last evaluated: 2023-11-04. Review status: criteria provided, single submitter. Criteria: ACMG Guidelines, 2015. Collection method: clinical testing. Allele origin: germline. Affected: no.

Genome-Nilou Lab
Classification: Uncertain significance for Usher syndrome type 2A. Last evaluated: 2023-11-04. Review status: criteria provided, single submitter. Criteria: ACMG Guidelines, 2015. Collection method: clinical testing. Allele origin: germline. Affected: no.

Blueprint Genetics
Classification: Uncertain significance. Last evaluated: 2023-10-14. Review status: criteria provided, single submitter. Criteria: ACMG Guidelines, 2015. Collection method: clinical testing. Allele origin: germline.

Ambry Genetics
Classification: Uncertain significance for Inborn genetic diseases. Last evaluated: 2022-10-04. Review status: criteria provided, single submitter. Criteria: Ambry Variant Classification Scheme 2023. Collection method: clinical testing. Allele origin: germline.

Labcorp Genetics (formerly Invitae), Labcorp
Classification: Uncertain significance. Last evaluated: 2022-08-10. Review status: criteria provided, single submitter. Criteria: Invitae Variant Classification Sherloc (09022015). Collection method: clinical testing. Allele origin: germline.
Comment: This sequence change replaces aspartic acid, which is acidic and polar, with histidine, which is basic and polar, at codon 606 of the USH2A protein (p.Asp606His). This variant is present in population databases (rs111033410, gnomAD 0.04%). This variant has not been reported in the literature in individuals affected with USH2A-related conditions. ClinVar contains an entry for this variant (Variation ID: 48475). Algorithms developed to predict the effect of missense changes on protein structure and function are either unavailable or do not agree on the potential impact of this missense change (SIFT: "Deleterious"; PolyPhen-2: "Possibly Damaging"; Align-GVGD: "Class C0"). In summary, the available evidence is currently insufficient to determine the role of this variant in disease. Therefore, it has been classified as a Variant of Uncertain Significance.

Laboratory for Molecular Medicine, Mass General Brigham Personalized Medicine
Classification: Uncertain significance. Last evaluated: 2009-02-12. Review status: criteria provided, single submitter. Criteria: LMM Criteria. Collection method: clinical testing. Allele origin: germline. Observed: 1 variant allele.

Natera, Inc.
Classification: Uncertain significance for Usher syndrome type 2A. Last evaluated: 2019-11-11. Review status: no assertion criteria provided. Collection method: clinical testing. Allele origin: germline. Not counted in ClinVar's aggregate classification.